The following is an entry in ClinVar:

ClinVar aggregate classification (germline): Uncertain significance (1 of 4 stars; one submission).

Allele frequency attached by ClinVar (database versions not stated): gnomAD exomes below 0.00001 and 0.00001; gnomAD 0.00001; ExAC 0.00002.

Submission:

Labcorp Genetics (formerly Invitae), Labcorp
Classification: Uncertain significance. Last evaluated: 2022-12-06. Review status: criteria provided, single submitter. Criteria: Invitae Variant Classification Sherloc (09022015). Collection method: clinical testing. Allele origin: germline.
Comment: In summary, the available evidence is currently insufficient to determine the role of this variant in disease. Therefore, it has been classified as a Variant of Uncertain Significance. Advanced modeling of protein sequence and biophysical properties (such as structural, functional, and spatial information, amino acid conservation, physicochemical variation, residue mobility, and thermodynamic stability) performed at Invitae indicates that this missense variant is not expected to disrupt ADGRG1 protein function. ClinVar contains an entry for this variant (Variation ID: 1484066). This variant has not been reported in the literature in individuals affected with ADGRG1-related conditions. This variant is present in population databases (rs767001312, gnomAD 0.0009%). This sequence change replaces arginine, which is basic and polar, with lysine, which is basic and polar, at codon 436 of the ADGRG1 protein (p.Arg436Lys).

NM_201525.4(ADGRG1):c.1289G>A (p.Arg430Lys)

Gene: ADGRG1 (adhesion G protein-coupled receptor G1; plus strand). Cytogenetic location: 16q21.
Variant type: single nucleotide variant.
Coding change: c.1289G>A on transcript NM_201525.4 (MANE Select); coding-DNA position 1289, G replaced by A.
Protein change: p.Arg430Lys; replaces arginine 430 with lysine.
Molecular consequence: missense variant.
Genome position (GRCh38, 1-based): chr16:57,659,415, G>A. VCF-style: chr16-57659415-G-A. GRCh37 (hg19) VCF-style: chr16-57693327-G-A.
Other names: c.1289G>A, p.Arg430Lys (NM_001145770.3, NM_001145772.3, NM_001145774.3 and 7 more transcripts); c.1307G>A, p.Arg436Lys (NM_001145771.3, NM_001370428.1, NM_001370429.1 and 4 more transcripts); c.1304G>A, p.Arg435Lys (NM_001145773.3, NM_001370433.1, NM_001370434.1); c.797G>A, p.Arg266Lys (NM_001290142.2); c.782G>A, p.Arg261Lys (NM_001290143.2); c.764G>A, p.Arg255Lys (NM_001290144.2, NM_001370451.1, NM_001370453.1 and 1 more transcripts); c.1286G>A, p.Arg429Lys (NM_001370441.1); c.1133G>A, p.Arg378Lys (NM_001370442.1); short protein forms R266K, R255K, R429K, R436K, R261K, R378K, R430K, R435K.
Identifiers: ClinVar variation 1484066 (VCV001484066.6), dbSNP rs767001312, ClinGen allele CA8078728.
Genomic context (GRCh38, chr16:57,659,415, plus strand): 5'-GGCACACTCCCCTCTCTACCTTCCCACACTGGCCCACCAGGGTGCCCCTGCCGTGCAGGA[G>A]GAAACCTCGGGACTACACCATCAAGGTGCACATGAACCTGCTGCTGGCCGTCTTCCTGCT-3'
Protein context (NP_958933.1, residues 420-440): VTIAAYLCSR[Arg430Lys]KPRDYTIKVH